The following is an entry in ClinVar:

ClinVar aggregate classification (germline): Uncertain significance (1 of 4 stars; one submission).

Conditions:
Neurofibromatosis, type 1 (NF1). Also called: VON RECKLINGHAUSEN DISEASE; NEUROFIBROMATOSIS, TYPE I, SOMATIC; Neurofibromatosis, type I; Peripheral type neurofibromatosis. Identifiers: Orphanet 636, MedGen C0027831, MONDO:0018975, OMIM 162200. Disease mechanism: loss of function.

Submission:

Labcorp Genetics (formerly Invitae), Labcorp
Classification: Uncertain significance for Neurofibromatosis, type 1. Last evaluated: 2024-11-27. Review status: criteria provided, single submitter. Criteria: Invitae Variant Classification Sherloc (09022015). Collection method: clinical testing. Allele origin: germline.
Comment: This sequence change replaces valine, which is neutral and non-polar, with isoleucine, which is neutral and non-polar, at codon 1936 of the NF1 protein (p.Val1936Ile). This variant is not present in population databases (gnomAD no frequency). This variant has not been reported in the literature in individuals affected with NF1-related conditions. Invitae Evidence Modeling of protein sequence and biophysical properties (such as structural, functional, and spatial information, amino acid conservation, physicochemical variation, residue mobility, and thermodynamic stability) has been performed for this missense variant. However, the output from this modeling did not meet the statistical confidence thresholds required to predict the impact of this variant on NF1 protein function. In summary, the available evidence is currently insufficient to determine the role of this variant in disease. Therefore, it has been classified as a Variant of Uncertain Significance.

NM_001042492.3(NF1):c.5869G>A (p.Val1957Ile)

Gene: NF1 (neurofibromin 1; plus strand). Cytogenetic location: 17q11.2.
Variant type: single nucleotide variant.
Coding change: c.5869G>A on transcript NM_001042492.3 (MANE Select); coding-DNA position 5869, G replaced by A.
Protein change: p.Val1957Ile; replaces valine 1957 with isoleucine.
Molecular consequence: missense variant.
Genome position (GRCh38, 1-based): chr17:31,334,894, G>A. VCF-style: chr17-31334894-G-A. GRCh37 (hg19) VCF-style: chr17-29661912-G-A.
Other names: c.5806G>A, p.Val1936Ile (NM_000267.4); short protein forms V1936I, V1957I.
Identifiers: ClinVar variation 3665900 (VCV003665900.2).